The following is an entry in ClinVar:

ClinVar aggregate classification (germline): Likely benign. Review status: reviewed by expert panel (3 of 4 stars). 3 submissions from 3 submitters: Likely benign (1). 2 of the submissions do not count toward it. Last evaluated 2017-06-29.

Conditions:
Hereditary breast ovarian cancer syndrome. Also called: Hereditary breast and ovarian cancer syndrome (HBOC); BRCA1- and BRCA2-Associated Hereditary Breast and Ovarian Cancer; Hereditary breast and/or ovarian cancer syndrome; Hereditary breast and ovarian cancer syndrome; Hereditary breast and ovarian cancer; Breast and ovarian cancer. Identifiers: Orphanet 145, MedGen C0677776, MeSH D061325, MONDO:0003582. Disease mechanism: loss of function.
Hereditary cancer-predisposing syndrome. Also called: Neoplastic Syndromes, Hereditary; Hereditary neoplastic syndrome; Tumor predisposition; Hereditary Cancer Syndrome. Identifiers: Orphanet 140162, MedGen C0027672, MeSH D009386, MONDO:0015356.
Breast-ovarian cancer, familial, susceptibility to, 1 (BROVCA1). Also called: BRCA1 Hereditary Breast and Ovarian Cancer; OVARIAN CANCER, SUSCEPTIBILITY TO. Identifiers: Orphanet 145, MedGen C2676676, MONDO:0011450, OMIM 604370. Disease mechanism: loss of function.

Allele frequency attached by ClinVar (database versions not stated): gnomAD exomes below 0.00001; ExAC 0.00001.
gnomAD v4.1: 2 of 1,613,260 alleles (0.00012%); highest among the groups gnomAD compares: East Asian, 0.0045%; no homozygotes.

Submissions (3):

Evidence-based Network for the Interpretation of Germline Mutant Alleles (ENIGMA)
Classification: Likely benign for Breast-ovarian cancer, familial, susceptibility to, 1. Last evaluated: 2017-06-29. Review status: reviewed by expert panel. Criteria: ENIGMA BRCA1/2 Classification Criteria (2017-06-29). Collection method: curation. Allele origin: germline.
Comment: Synonymous substitution variant, with low bioinformatic likelihood to result in a splicing aberration (Splicing prior probability 0.02).

Labcorp Genetics (formerly Invitae), Labcorp
Classification: Likely benign for Hereditary breast ovarian cancer syndrome. Last evaluated: 2024-10-09. Review status: criteria provided, single submitter. Criteria: Invitae Variant Classification Sherloc (09022015). Collection method: clinical testing. Allele origin: germline. Not counted in ClinVar's aggregate classification.

Ambry Genetics
Classification: Likely benign for Hereditary cancer-predisposing syndrome. Last evaluated: 2023-04-16. Review status: criteria provided, single submitter. Criteria: Ambry Variant Classification Scheme 2023. Collection method: clinical testing. Allele origin: germline. Not counted in ClinVar's aggregate classification.

NM_007294.4(BRCA1):c.516A>G (p.Gln172=)

Gene: BRCA1 (BRCA1 DNA repair associated; minus strand). Cytogenetic location: 17q21.31.
Variant type: single nucleotide variant.
Coding change: c.516A>G on transcript NM_007294.4 (MANE Select); coding-DNA position 516, A replaced by G.
Protein change: p.Gln172=; no amino-acid change (glutamine 172 retained).
Molecular consequence: synonymous variant. On other transcripts: intron variant (2).
Genome position (GRCh38, 1-based): chr17:43,099,806, T>C on the plus strand (A>G on the coding strand, the complement: BRCA1 is on the minus strand). VCF-style: chr17-43099806-T-C. GRCh37 (hg19) VCF-style: chr17-41251823-T-C.
Other names: c.303A>G, p.Gln101= (NM_001407571.1, NM_001407853.1, NM_001407894.1 and 18 more transcripts); c.516A>G, p.Gln172= (NM_001407581.1, NM_001407582.1, NM_001407583.1 and 97 more transcripts); c.513A>G, p.Gln171= (NM_001407587.1, NM_001407590.1, NM_001407591.1 and 65 more transcripts); c.507A>G, p.Gln169= (NM_001407646.1, NM_001407647.1, NM_001408408.1); c.438A>G, p.Gln146= (NM_001407653.1, NM_001407654.1, NM_001407655.1 and 12 more transcripts); c.435A>G, p.Gln145= (NM_001407659.1, NM_001407660.1, NM_001407661.1 and 6 more transcripts); c.375A>G, p.Gln125= (NM_001407692.1, NM_001407694.1, NM_001407695.1 and 61 more transcripts); c.372A>G, p.Gln124= (NM_001407740.1, NM_001407741.1, NM_001407742.1 and 35 more transcripts); and 5 more.
Identifiers: ClinVar variation 427332 (VCV000427332.8), dbSNP rs752940034, ClinGen allele CA056251.